The following is an entry in ClinVar:

NC_000015.9:g.(?_44865725)_(44867259_?)del

Gene: SPG11 (SPG11 vesicle trafficking associated, spatacsin; minus strand). Cytogenetic location: 15q21.1.
Variant type: Deletion.
Identifiers: ClinVar variation 3243790 (VCV003243790.1).

ClinVar aggregate classification (germline): Pathogenic (1 of 4 stars; one submission).

Conditions:
Hereditary spastic paraplegia 11. Also called: Spastic paraplegia, mental retardation and thin corpus callosum; SPASTIC PARAPLEGIA, AUTOSOMAL RECESSIVE, COMPLICATED, WITH THIN CORPUS CALLOSUM; SPASTIC PARAPLEGIA, AUTOSOMAL RECESSIVE, WITH MENTAL IMPAIRMENT AND THIN CORPUS CALLOSUM; Spastic Paraplegia 11; Nakamura Osame syndrome; Autosomal recessive hereditary spastic paraplegia, mental impairment, and thin corpus callosum. Identifiers: Orphanet 2822, MedGen C1858479, MONDO:0011445, OMIM 604360.

Submission:

Labcorp Genetics (formerly Invitae), Labcorp
Classification: Pathogenic for Hereditary spastic paraplegia 11. Last evaluated: 2023-08-31. Review status: criteria provided, single submitter. Criteria: Invitae Variant Classification Sherloc (09022015). Collection method: clinical testing. Allele origin: unknown.
Comment: For these reasons, this variant has been classified as Pathogenic. This variant disrupts a region of the SPG11 protein in which other variant(s) (p.Val2053Met) have been determined to be pathogenic (PMID: 17717710, 19196735, 20110243, 24833714). This suggests that this is a clinically significant region of the protein, and that variants that disrupt it are likely to be disease-causing. This variant has not been reported in the literature in individuals affected with SPG11-related conditions. This variant is a gross deletion of the genomic region encompassing exon(s) 31-32 of the SPG11 gene. This variant would be expected to be in-frame, preserving the integrity of the reading frame.

Literature cited by the submitters: PubMed 17717710; PubMed 19196735; PubMed 20110243; PubMed 24833714.